The following is an entry in ClinVar:

NM_001267550.2(TTN):c.105788C>T (p.Ala35263Val)

Genes: TTN (titin; minus strand), TTN-AS1 (TTN antisense RNA 1; plus strand), LOC129935183 (ATAC-STARR-seq lymphoblastoid active region 16808; plus strand). Cytogenetic location: 2q31.2.
Variant type: single nucleotide variant.
Coding change: c.105788C>T on transcript NM_001267550.2 (MANE Select); coding-DNA position 105788, C replaced by T.
Protein change: p.Ala35263Val; replaces alanine 35263 with valine.
Molecular consequence: missense variant.
Genome position (GRCh38, 1-based): chr2:178,530,827, G>A on the plus strand (C>T on the coding strand, the complement: TTN is on the minus strand). VCF-style: chr2-178530827-G-A. GRCh37 (hg19) VCF-style: chr2-179395554-G-A.
Other names: p.A32695V:GCC>GTC; p.Ala33622Val; c.100865C>T, p.Ala33622Val (NM_001256850.1); c.98084C>T, p.Ala32695Val (NM_133378.4); c.78593C>T, p.Ala26198Val (NM_003319.4); c.78968C>T, p.Ala26323Val (NM_133432.3); c.79169C>T, p.Ala26390Val (NM_133437.4); short protein forms A35263V, A32695V, A33622V, A26390V, A26323V, A26198V.
Identifiers: ClinVar variation 47702 (VCV000047702.47), dbSNP rs66961115, ClinGen allele CA284358.

ClinVar aggregate classification (germline): Benign/Likely benign. Review status: criteria provided, multiple submitters, no conflicts (2 of 4 stars). 27 submissions from 20 submitters: Benign (14); Likely benign (7). 6 of the submissions do not count toward it. Last evaluated 2025-11-24.

Conditions:
Cardiovascular phenotype. Identifiers: MedGen CN230736.
Autosomal recessive limb-girdle muscular dystrophy type 2J (LGMDR10). Also called: Limb-girdle muscular dystrophy, type 2J; MUSCULAR DYSTROPHY, LIMB-GIRDLE, AUTOSOMAL RECESSIVE 10. Identifiers: Orphanet 140922, MedGen C1837342, MONDO:0012127, OMIM 608807.
Dilated cardiomyopathy 1G (CMD1G). Identifiers: Orphanet 154, MedGen C1858763, MONDO:0011400, OMIM 604145.
Cardiomyopathy (CMYO). Also called: Cardiomyopathies. Identifiers: Orphanet 167848, MedGen C0878544, MONDO:0004994, HP:0001638. Inheritance: Various modes of inheritance.
Early-onset myopathy with fatal cardiomyopathy (CMYO5). Also called: Salih Myopathy; CONGENITAL MYOPATHY 5 WITH CARDIOMYOPATHY. Identifiers: Orphanet 289377, MedGen C2673677, MONDO:0012714, OMIM 611705. Disease mechanism: loss of function.
Myopathy, myofibrillar, 9, with early respiratory failure (MFM9). Also called: Hereditary myopathy with early respiratory failure; EDSTROM MYOPATHY; MYOPATHY, PROXIMAL, WITH EARLY RESPIRATORY MUSCLE INVOLVEMENT; Myopathy, distal, with early respiratory failure, autosomal dominant. Identifiers: Orphanet 178464, Orphanet 34521, MedGen C1863599, MONDO:0011362, OMIM 603689.
Tibial muscular dystrophy (TMD). Also called: UDD MYOPATHY; Udd Distal Myopathy – Tibial Muscular Dystrophy; Tibial muscular dystrophy, tardive. Identifiers: Orphanet 609, MedGen C1838244, MONDO:0010870, OMIM 600334.

Allele frequency attached by ClinVar (database versions not stated): 1000 Genomes Project 0.00519; 1000 Genomes Project 30x 0.00531; TOPMed 0.00868; gnomAD 0.01037 and 0.01079; ESP Exome Variant Server 0.01046; gnomAD exomes 0.01094 and 0.01393; ExAC 0.01138.
gnomAD v4.1: 21,783 of 1,613,782 alleles (1.3%); highest among the groups gnomAD compares: Non-Finnish European, 1.6%; 188 homozygotes.

Submissions (27):

Labcorp Genetics (formerly Invitae), Labcorp
Classification: Benign for Dilated cardiomyopathy 1G; Autosomal recessive limb-girdle muscular dystrophy type 2J. Last evaluated: 2025-11-24. Review status: criteria provided, single submitter. Criteria: Invitae Variant Classification Sherloc (09022015). Collection method: clinical testing. Allele origin: germline.

ARUP Laboratories, Molecular Genetics and Genomics, ARUP Laboratories
Classification: Benign. Last evaluated: 2025-05-01. Review status: criteria provided, single submitter. Criteria: ARUP Molecular Germline Variant Investigation Process 2024. Collection method: clinical testing. Allele origin: germline.

Molecular Diagnostic Laboratory for Inherited Cardiovascular Disease, Montreal Heart Institute
Classification: Likely benign. Last evaluated: 2025-04-09. Review status: criteria provided, single submitter. Criteria: ACMG Guidelines, 2015. Collection method: clinical testing. Allele origin: germline. Affected: no.

Blueprint Genetics
Classification: Likely benign. Last evaluated: 2024-11-26. Review status: criteria provided, single submitter. Criteria: ACMG Guidelines, 2015. Collection method: clinical testing. Allele origin: germline.

Mayo Clinic Laboratories, Mayo Clinic
Classification: Benign. Last evaluated: 2023-02-14. Review status: criteria provided, single submitter. Criteria: ACMG Guidelines, 2015. Collection method: clinical testing. Allele origin: germline. Observed: 33 variant alleles.
Comment: BS1, BS2, BP4

CHEO Genetics Diagnostic Laboratory, Children's Hospital of Eastern Ontario
Classification: Benign for Cardiomyopathy. Last evaluated: 2022-11-18. Review status: criteria provided, single submitter. Criteria: ACMG Guidelines, 2015. Collection method: clinical testing. Allele origin: germline.

Genome-Nilou Lab
Classification: Benign for Autosomal recessive limb-girdle muscular dystrophy type 2J. Last evaluated: 2021-09-10. Review status: criteria provided, single submitter. Criteria: ACMG Guidelines, 2015. Collection method: clinical testing. Allele origin: germline. Affected: no.

Genome-Nilou Lab
Classification: Benign for Myopathy, myofibrillar, 9, with early respiratory failure. Last evaluated: 2021-09-10. Review status: criteria provided, single submitter. Criteria: ACMG Guidelines, 2015. Collection method: clinical testing. Allele origin: germline. Affected: no.

Genome-Nilou Lab
Classification: Benign for Early-onset myopathy with fatal cardiomyopathy. Last evaluated: 2021-09-10. Review status: criteria provided, single submitter. Criteria: ACMG Guidelines, 2015. Collection method: clinical testing. Allele origin: germline. Affected: no.

Genome-Nilou Lab
Classification: Benign for Tibial muscular dystrophy. Last evaluated: 2021-09-10. Review status: criteria provided, single submitter. Criteria: ACMG Guidelines, 2015. Collection method: clinical testing. Allele origin: germline. Affected: no.

Illumina Laboratory Services, Illumina
Classification: Likely benign for Dilated cardiomyopathy 1G. Last evaluated: 2018-01-13. Review status: criteria provided, single submitter. Criteria: ICSL Variant Classification Criteria 13 December 2019. Collection method: clinical testing. Allele origin: germline.
Comment: This variant was observed in the ICSL laboratory as part of a predisposition screen in an ostensibly healthy population. It had not been previously curated by ICSL or reported in the Human Gene Mutation Database (HGMD: prior to June 1st, 2018), and was therefore a candidate for classification through an automated scoring system. Utilizing variant allele frequency, disease prevalence and penetrance estimates, and inheritance mode, an automated score was calculated to assess if this variant is too frequent to cause the disease. Based on the score and internal cut-off values, a variant classified as likely benign is not then subjected to further curation. The score for this variant resulted in a classification of likely benign for this disease.

Illumina Laboratory Services, Illumina
Classification: Likely benign for Autosomal recessive limb-girdle muscular dystrophy type 2J. Last evaluated: 2018-01-13. Review status: criteria provided, single submitter. Criteria: ICSL Variant Classification Criteria 13 December 2019. Collection method: clinical testing. Allele origin: germline.
Comment: the same text as in the submission from Illumina Laboratory Services, Illumina above.

Illumina Laboratory Services, Illumina
Classification: Benign for Tibial muscular dystrophy. Last evaluated: 2018-01-13. Review status: criteria provided, single submitter. Criteria: ICSL Variant Classification Criteria 13 December 2019. Collection method: clinical testing. Allele origin: germline.
Comment: This variant was observed in the ICSL laboratory as part of a predisposition screen in an ostensibly healthy population. It had not been previously curated by ICSL or reported in the Human Gene Mutation Database (HGMD: prior to June 1st, 2018), and was therefore a candidate for classification through an automated scoring system. Utilizing variant allele frequency, disease prevalence and penetrance estimates, and inheritance mode, an automated score was calculated to assess if this variant is too frequent to cause the disease. Based on the score and internal cut-off values, a variant classified as benign is not then subjected to further curation. The score for this variant resulted in a classification of benign for this disease.

Illumina Laboratory Services, Illumina
Classification: Benign for Myopathy, myofibrillar, 9, with early respiratory failure. Last evaluated: 2018-01-13. Review status: criteria provided, single submitter. Criteria: ICSL Variant Classification Criteria 13 December 2019. Collection method: clinical testing. Allele origin: germline.
Comment: the same text as in the submission from Illumina Laboratory Services, Illumina above.

Illumina Laboratory Services, Illumina
Classification: Likely benign for Early-onset myopathy with fatal cardiomyopathy. Last evaluated: 2018-01-13. Review status: criteria provided, single submitter. Criteria: ICSL Variant Classification Criteria 13 December 2019. Collection method: clinical testing. Allele origin: germline.
Comment: the same text as in the submission from Illumina Laboratory Services, Illumina above.

Biesecker Lab/Clinical Genomics Section, National Institutes of Health
Classification: Benign. Last evaluated: 2013-06-24. Review status: criteria provided, single submitter. Criteria: Ng et al. (Circ Cardiovasc Genet. 2013). Collection method: research. Allele origin: unknown. Observed: 12 variant alleles. Study: ClinSeq.
Comment: The study set was not selected for affection status in relation to any cancer. Pathogenicity categories were based on literature curation. See Pubmed ID:23861362 for details.

Medical sequencing

Ambry Genetics
Classification: Likely benign for Cardiovascular phenotype. Last evaluated: 2012-11-28. Review status: criteria provided, single submitter. Criteria: Ambry Autosomal Dominant and X-Linked criteria (10/2015). Collection method: clinical testing. Allele origin: germline. Observed: 1 variant allele.

GeneDx
Classification: Benign. Last evaluated: 2012-10-21. Review status: criteria provided, single submitter. Criteria: GeneDx Variant Classification (06012015). Collection method: clinical testing. Allele origin: germline. Affected: yes.
Comment: This variant is considered likely benign or benign based on one or more of the following criteria: it is a conservative change, it occurs at a poorly conserved position in the protein, it is predicted to be benign by multiple in silico algorithms, and/or has population frequency not consistent with disease.

Laboratory for Molecular Medicine, Mass General Brigham Personalized Medicine
Classification: Benign. Last evaluated: 2012-03-26. Review status: criteria provided, single submitter. Criteria: LMM Criteria. Collection method: clinical testing. Allele origin: germline. Observed: 44 variant alleles.
Comment: Ala32695Ser & Ala32695Val in exon 307 of TTN: These variants are not expected to have clinical significance because they have been independently described in th e same populations, at the same frequency, and alter adjacent bases and may repr esent a single allele (Ala32695Phe). These variants have each been identified in 1.3% (89/6634) of European American chromosomes from a broad population by the NHLBI Exome Sequencing Project (dbSNP rs672545 37 & rs66961115).

Breakthrough Genomics
Classification: Likely benign. Review status: criteria provided, single submitter. Criteria: ACMG Guidelines, 2015. Collection method: not provided. Allele origin: germline. Inheritance: Autosomal recessive inheritance. Affected: yes.

PreventionGenetics, part of Exact Sciences
Classification: Benign. Review status: criteria provided, single submitter. Criteria: ACMG Guidelines, 2015. Collection method: clinical testing. Allele origin: germline.

Clinical Genetics, Academic Medical Center
Classification: Benign. Review status: no assertion criteria provided. Collection method: clinical testing. Allele origin: germline. Affected: yes. Study: VKGL Data-share Consensus. Not counted in ClinVar's aggregate classification.

Diagnostic Laboratory, Department of Genetics, University Medical Center Groningen
Classification: Likely benign. Review status: no assertion criteria provided. Collection method: clinical testing. Allele origin: germline. Affected: yes. Study: VKGL Data-share Consensus. Not counted in ClinVar's aggregate classification.

Genetic Services Laboratory, University of Chicago
Classification: Likely benign for AllHighlyPenetrant. Review status: no assertion criteria provided. Collection method: clinical testing. Allele origin: germline. Not counted in ClinVar's aggregate classification.
Comment: Likely benign based on allele frequency in 1000 Genomes Project or ESP global frequency and its presence in a patient with a rare or unrelated disease phenotype. NOT Sanger confirmed.

Genome Diagnostics Laboratory, University Medical Center Utrecht
Classification: Benign. Review status: no assertion criteria provided. Collection method: clinical testing. Allele origin: germline. Affected: yes. Study: VKGL Data-share Consensus. Not counted in ClinVar's aggregate classification.

Joint Genome Diagnostic Labs from Nijmegen and Maastricht, Radboudumc and MUMC+
Classification: Benign. Review status: no assertion criteria provided. Collection method: clinical testing. Allele origin: germline. Affected: yes. Study: VKGL Data-share Consensus. Not counted in ClinVar's aggregate classification.

Laboratory of Diagnostic Genome Analysis, Leiden University Medical Center (LUMC)
Classification: Likely benign. Review status: no assertion criteria provided. Collection method: clinical testing. Allele origin: germline. Affected: yes. Study: VKGL Data-share Consensus. Not counted in ClinVar's aggregate classification.